The following is an entry in ClinVar:

ClinVar aggregate classification (germline): Uncertain significance (1 of 4 stars; one submission).

Conditions:
Glycogen storage disease IXa1. Also called: GLYCOGEN STORAGE DISEASE VIII; GSD VIII; Glycogen storage disease 8; LIVER GLYCOGENOSIS, X-LINKED, TYPE I. Identifiers: Orphanet 264580, MedGen C3694531, MONDO:0010598, OMIM 306000.

Submission:

Labcorp Genetics (formerly Invitae), Labcorp
Classification: Uncertain significance for Glycogen storage disease IXa1. Last evaluated: 2025-10-13. Review status: criteria provided, single submitter. Criteria: Invitae Variant Classification Sherloc (09022015). Collection method: clinical testing. Allele origin: germline.
Comment: This sequence change replaces tyrosine, which is neutral and polar, with histidine, which is basic and polar, at codon 825 of the PHKA2 protein (p.Tyr825His). This variant is present in population databases (rs749198783, gnomAD 0.004%). This variant has not been reported in the literature in individuals affected with PHKA2-related conditions. Invitae Evidence Modeling of protein sequence and biophysical properties (such as structural, functional, and spatial information, amino acid conservation, physicochemical variation, residue mobility, and thermodynamic stability) indicates that this missense variant is not expected to disrupt PHKA2 protein function with a negative predictive value of 80%. In summary, the available evidence is currently insufficient to determine the role of this variant in disease. Therefore, it has been classified as a Variant of Uncertain Significance.

NM_000292.3(PHKA2):c.2473T>C (p.Tyr825His)

Gene: PHKA2 (phosphorylase kinase regulatory subunit alpha 2; minus strand). Cytogenetic location: Xp22.13.
Variant type: single nucleotide variant.
Coding change: c.2473T>C on transcript NM_000292.3 (MANE Select); coding-DNA position 2473, T replaced by C.
Protein change: p.Tyr825His; replaces tyrosine 825 with histidine.
Molecular consequence: missense variant.
Genome position (GRCh38, 1-based): chrX:18,907,944, A>G on the plus strand (T>C on the coding strand, the complement: PHKA2 is on the minus strand). VCF-style: chrX-18907944-A-G. GRCh37 (hg19) VCF-style: chrX-18926062-A-G.
Other names: c.2473T>C, p.Tyr825His (NM_001440800.1, NM_001440801.1, NM_001440805.1); c.2374T>C, p.Tyr792His (NM_001440802.1, NM_001440803.1, NM_001440804.1); short protein forms Y792H, Y825H.
Identifiers: ClinVar variation 4748269 (VCV004748269.1).